The following is an entry in ClinVar:

NM_016097.5(IER3IP1):c.233T>C (p.Leu78Pro)

Gene: IER3IP1 (immediate early response 3 interacting protein 1; minus strand). Cytogenetic location: 18q21.1.
Variant type: single nucleotide variant.
Coding change: c.233T>C on transcript NM_016097.5 (MANE Select); coding-DNA position 233, T replaced by C.
Protein change: p.Leu78Pro; replaces leucine 78 with proline.
Molecular consequence: missense variant.
Genome position (GRCh38, 1-based): chr18:47,156,193, A>G on the plus strand (T>C on the coding strand, the complement: IER3IP1 is on the minus strand). VCF-style: chr18-47156193-A-G. GRCh37 (hg19) VCF-style: chr18-44682564-A-G.
Other names: short protein forms L78P.
Identifiers: ClinVar variation 30786 (VCV000030786.14), dbSNP rs387907012, ClinGen allele CA129466.

ClinVar aggregate classification (germline): Pathogenic/Likely pathogenic. Review status: criteria provided, multiple submitters, no conflicts (2 of 4 stars). 3 submissions from 3 submitters: Pathogenic (1); Likely pathogenic (1). 1 of the submissions does not count toward it. Last evaluated 2025-04-21.

Conditions:
Microcephaly, epilepsy, and diabetes syndrome 1 (MEDS1). Identifiers: MedGen CN305347, MONDO:0031481, OMIM 614231.
Microcephaly, epilepsy, and diabetes syndrome. Identifiers: Orphanet 306558, MedGen C3280240, MONDO:0100328.

Allele frequency attached by ClinVar (database versions not stated): TOPMed 0.00002; gnomAD exomes below 0.00001; gnomAD 0.00001.
gnomAD v4.1: 3 of 1,563,768 alleles (0.00019%); highest among the groups gnomAD compares: Non-Finnish European, 0.000088%; no homozygotes.

Submissions (3):

Labcorp Genetics (formerly Invitae), Labcorp
Classification: Pathogenic for Microcephaly, epilepsy, and diabetes syndrome. Last evaluated: 2025-04-21. Review status: criteria provided, single submitter. Criteria: Invitae Variant Classification Sherloc (09022015). Collection method: clinical testing. Allele origin: germline.
Comment: This sequence change replaces leucine, which is neutral and non-polar, with proline, which is neutral and non-polar, at codon 78 of the IER3IP1 protein (p.Leu78Pro). This variant is not present in population databases (gnomAD no frequency). This missense change has been observed in individuals with primary microcephaly, epilepsy, neonatal diabetes (PMID: 21835305, 22991235, 23771172, 28711742). It has also been observed to segregate with disease in related individuals. ClinVar contains an entry for this variant (Variation ID: 30786). An algorithm developed to predict the effect of missense changes on protein structure and function (PolyPhen-2) suggests that this variant is likely to be disruptive. For these reasons, this variant has been classified as Pathogenic.

Revvity Omics, Revvity
Classification: Likely pathogenic for Microcephaly, epilepsy, and diabetes syndrome 1. Last evaluated: 2021-03-23. Review status: criteria provided, single submitter. Criteria: ACMG Guidelines, 2015. Collection method: clinical testing. Allele origin: germline.

OMIM
Classification: Pathogenic for MICROCEPHALY, EPILEPSY, AND DIABETES SYNDROME 1. Last evaluated: 2012-11-01. Review status: no assertion criteria provided. Collection method: literature only. Allele origin: germline. Not counted in ClinVar's aggregate classification.

Literature cited by the submitters: PubMed 21835305 (cited by Labcorp Genetics (formerly Invitae), Labcorp and OMIM); PubMed 22991235 (cited by Labcorp Genetics (formerly Invitae), Labcorp and OMIM); PubMed 23771172 (cited by Labcorp Genetics (formerly Invitae), Labcorp); PubMed 28711742 (cited by Labcorp Genetics (formerly Invitae), Labcorp).